The following is an entry in ClinVar:

NM_001130009.3(GEN1):c.644C>G (p.Pro215Arg)

Gene: GEN1 (GEN1 structure-specific endonuclease; plus strand). Cytogenetic location: 2p24.2.
Variant type: single nucleotide variant.
Coding change: c.644C>G on transcript NM_001130009.3 (MANE Select); coding-DNA position 644, C replaced by G.
Protein change: p.Pro215Arg; replaces proline 215 with arginine.
Molecular consequence: missense variant.
Genome position (GRCh38, 1-based): chr2:17,768,745, C>G. VCF-style: chr2-17768745-C-G. GRCh37 (hg19) VCF-style: chr2-17950012-C-G.
Other names: c.644C>G, p.Pro215Arg (NM_182625.5); short protein forms P215R.
Identifiers: ClinVar variation 4671461 (VCV004671461.1).

ClinVar aggregate classification (germline): Uncertain significance (1 of 4 stars; one submission).

Submission:

Ambry Genetics
Classification: Uncertain significance. Last evaluated: 2025-10-02. Review status: criteria provided, single submitter. Criteria: Ambry Variant Classification Scheme 2023. Collection method: clinical testing. Allele origin: germline.
Comment: The p.P215R variant (also known as c.644C>G), located in coding exon 5 of the GEN1 gene, results from a C to G substitution at nucleotide position 644. The proline at codon 215 is replaced by arginine, an amino acid with dissimilar properties. This amino acid position is conserved. In addition, the in silico prediction for this alteration is inconclusive. Based on the available evidence, the clinical significance of this variant remains unclear.